The following is an entry in ClinVar:

ClinVar aggregate classification (germline): Pathogenic (1 of 4 stars; one submission).

Conditions:
Hereditary cancer-predisposing syndrome. Also called: Neoplastic Syndromes, Hereditary; Tumor predisposition; Hereditary neoplastic syndrome; Hereditary Cancer Syndrome. Identifiers: Orphanet 140162, MedGen C0027672, MeSH D009386, MONDO:0015356.

Submission:

Ambry Genetics
Classification: Pathogenic for Hereditary cancer-predisposing syndrome. Last evaluated: 2024-03-05. Review status: criteria provided, single submitter. Criteria: Ambry Variant Classification Scheme 2023. Collection method: clinical testing. Allele origin: germline.
Comment: The p.Y1721* pathogenic mutation (also known as c.5163T>G), located in coding exon 23 of the DICER1 gene, results from a T to G substitution at nucleotide position 5163. This changes the amino acid from a tyrosine to a stop codon within coding exon 23. This alteration is expected to result in loss of function by premature protein truncation or nonsense-mediated mRNA decay. This variant is considered to be rare based on population cohorts in the Genome Aggregation Database (gnomAD). As such, this alteration is interpreted as a disease-causing mutation.

NM_177438.3(DICER1):c.5163T>G (p.Tyr1721Ter)

Gene: DICER1 (dicer 1, ribonuclease III; minus strand). Cytogenetic location: 14q32.13.
Variant type: single nucleotide variant.
Coding change: c.5163T>G on transcript NM_177438.3 (MANE Select); coding-DNA position 5163, T replaced by G.
Protein change: p.Tyr1721Ter; replaces tyrosine 1721 with a stop codon.
Molecular consequence: nonsense. On other transcripts: non-coding transcript variant (6).
Genome position (GRCh38, 1-based): chr14:95,094,089, A>C on the plus strand (T>G on the coding strand, the complement: DICER1 is on the minus strand). VCF-style: chr14-95094089-A-C. GRCh37 (hg19) VCF-style: chr14-95560426-A-C.
Other names: c.5163T>G, p.Tyr1721Ter (NM_001195573.1, NM_001271282.3, NM_001291628.2 and 9 more transcripts); c.4881T>G, p.Tyr1627Ter (NM_001395686.1); c.4758T>G, p.Tyr1586Ter (NM_001395687.1, NM_001395688.1, NM_001395689.1 and 1 more transcripts); c.4596T>G, p.Tyr1532Ter (NM_001395691.1); c.3480T>G, p.Tyr1160Ter (NM_001395697.1); short protein forms Y1160*, Y1532*, Y1586*, Y1627*, Y1721*.
Identifiers: ClinVar variation 3229428 (VCV003229428.1), dbSNP rs756700070, ClinGen allele CA390865304.
Genomic context (GRCh38, chr14:95,094,089, plus strand): 5'-GTTGACCAGGGCAGACCGCAGGTCTGTCAGGACCCCCGGGGAGTGCTGCCGCGGGTCTTC[A>C]TAAAGGTGCTTGGTTATGAGGTAGTCCAAAATCGCATCTCCCAGGAATTCTAAGCGCTGG-3'